The following is an entry in ClinVar:

NM_173076.3(ABCA12):c.5641del (p.Arg1881fs)

Gene: ABCA12 (ATP binding cassette subfamily A member 12; minus strand). Cytogenetic location: 2q35.
Variant type: Deletion.
Coding change: c.5641del on transcript NM_173076.3 (MANE Select); coding-DNA position 5641, one base deleted (C; older notation c.5641delC).
Protein change: p.Arg1881fs; shifts the reading frame from arginine 1881.
Molecular consequence: frameshift variant. On other transcripts: non-coding transcript variant (1).
Genome position (GRCh38, 1-based): chr2:214,970,322, G deleted on the plus strand (C on the coding strand, the reverse complement: ABCA12 is on the minus strand). VCF-style (leftmost placement, unchanged base first): chr2-214970321-CG-C. GRCh37 (hg19) VCF-style: chr2-215835045-CG-C.
Other names: c.4687del, p.Arg1563fs (NM_015657.4); short protein forms R1563fs, R1881fs.
Identifiers: ClinVar variation 2703892 (VCV002703892.3), dbSNP rs2469201143, ClinGen allele CA2697550425.
Genomic context (GRCh38, chr2:214,970,321, plus strand): 5'-AGATTATTTTACCTTTTTTGGACAAACTCATTTGCAGTTGATATAAGATAATTTTCCACT[CG>C]TTGCCCAGTGAGGTTATAAATTACCTGGGATGAGTAAGTTCTTCTGTGCGGTGGGGAATA-3'

ClinVar aggregate classification (germline): Pathogenic (1 of 4 stars; one submission).

Submission:

Labcorp Genetics (formerly Invitae), Labcorp
Classification: Pathogenic. Last evaluated: 2023-12-25. Review status: criteria provided, single submitter. Criteria: Invitae Variant Classification Sherloc (09022015). Collection method: clinical testing. Allele origin: germline.
Comment: This sequence change creates a premature translational stop signal (p.Arg1881Glufs*27) in the ABCA12 gene. It is expected to result in an absent or disrupted protein product. Loss-of-function variants in ABCA12 are known to be pathogenic (PMID: 20672373). This variant is not present in population databases (gnomAD no frequency). This variant has not been reported in the literature in individuals affected with ABCA12-related conditions. For these reasons, this variant has been classified as Pathogenic.

Literature cited by the submitters: PubMed 20672373.